The following is an entry in ClinVar:

ClinVar aggregate classification (germline): Pathogenic (1 of 4 stars; one submission).

Allele frequency attached by ClinVar (database versions not stated): gnomAD exomes below 0.00001; ExAC 0.00001.
gnomAD v4.1: 1 of 1,614,148 alleles (0.000062%); highest among the groups gnomAD compares: Admixed American, 0.0017%; no homozygotes.

Submission:

Labcorp Genetics (formerly Invitae), Labcorp
Classification: Pathogenic. Last evaluated: 2022-10-08. Review status: criteria provided, single submitter. Criteria: Invitae Variant Classification Sherloc (09022015). Collection method: clinical testing. Allele origin: germline.
Comment: This variant has not been reported in the literature in individuals affected with CFI-related conditions. This variant is present in population databases (rs749516565, gnomAD 0.003%). This sequence change creates a premature translational stop signal (p.Glu26*) in the CFI gene. It is expected to result in an absent or disrupted protein product. Loss-of-function variants in CFI are known to be pathogenic (PMID: 15917334, 16621965, 19065647, 20016463, 22710145). For these reasons, this variant has been classified as Pathogenic. Algorithms developed to predict the effect of sequence changes on RNA splicing suggest that this variant may disrupt the consensus splice site.

Literature cited by the submitters: PubMed 15917334; PubMed 16621965; PubMed 19065647; PubMed 20016463; PubMed 22710145.

NM_000204.5(CFI):c.76G>T (p.Glu26Ter)

Gene: CFI (complement factor I; minus strand). Cytogenetic location: 4q25.
Variant type: single nucleotide variant.
Coding change: c.76G>T on transcript NM_000204.5 (MANE Select); coding-DNA position 76, G replaced by T.
Protein change: p.Glu26Ter; replaces glutamic acid 26 with a stop codon.
Molecular consequence: nonsense. On other transcripts: non-coding transcript variant (3), intron variant (1).
Genome position (GRCh38, 1-based): chr4:109,766,806, C>A on the plus strand (G>T on the coding strand, the complement: CFI is on the minus strand). VCF-style: chr4-109766806-C-A. GRCh37 (hg19) VCF-style: chr4-110687962-C-A.
Other names: c.76G>T, p.Glu26Ter (NM_001318057.2, NM_001331035.2, NM_001375278.1 and 5 more transcripts); c.-127-5114G>T (NM_001375284.1); short protein forms E26*.
Identifiers: ClinVar variation 2022570 (VCV002022570.4), dbSNP rs749516565, ClinGen allele CA3042351.